The following is an entry in ClinVar:

ClinVar aggregate classification (germline): Uncertain significance. Review status: criteria provided, multiple submitters, no conflicts (2 of 4 stars). 2 submissions from 2 submitters: Uncertain significance (2). Last evaluated 2019-04-29.

Conditions:
Familial cancer of breast. Also called: Hereditary breast cancer; BREAST CANCER, FAMILIAL; hereditary breast carcinoma. Identifiers: Orphanet 227535, MedGen C0346153, MONDO:0016419, OMIM 114480. Disease mechanism: loss of function.

Allele frequency attached by ClinVar (database versions not stated): gnomAD exomes below 0.00001.
gnomAD v4.1: 2 of 1,614,212 alleles (0.00012%); highest among the groups gnomAD compares: South Asian, 0.0011%; no homozygotes.

Submissions (2):

Labcorp Genetics (formerly Invitae), Labcorp
Classification: Uncertain significance for Familial cancer of breast. Last evaluated: 2019-04-29. Review status: criteria provided, single submitter. Criteria: Invitae Variant Classification Sherloc (09022015). Collection method: clinical testing. Allele origin: germline.
Comment: This sequence change replaces cysteine with arginine at codon 756 of the PALB2 protein (p.Cys756Arg). The cysteine residue is weakly conserved and there is a large physicochemical difference between cysteine and arginine. This variant is not present in population databases (ExAC no frequency). This variant has not been reported in the literature in individuals with PALB2-related conditions. ClinVar contains an entry for this variant (Variation ID: 421313). Algorithms developed to predict the effect of missense changes on protein structure and function output the following: SIFT: "Tolerated"; PolyPhen-2: "Benign"; Align-GVGD: "Class C0". The arginine amino acid residue is found in multiple mammalian species, suggesting that this missense change does not adversely affect protein function. These predictions have not been confirmed by published functional studies and their clinical significance is uncertain. In summary, the available evidence is currently insufficient to determine the role of this variant in disease. Therefore, it has been classified as a Variant of Uncertain Significance.

GeneDx
Classification: Uncertain significance. Last evaluated: 2016-05-27. Review status: criteria provided, single submitter. Criteria: GeneDx Variant Classification (06012015). Collection method: clinical testing. Allele origin: germline. Affected: yes.
Comment: This variant is denoted PALB2 c.2266T>C at the cDNA level, p.Cys756Arg (C756R) at the protein level, and results in the change of a Cysteine to an Arginine (TGC>CGC). This variant has not, to our knowledge, been published in the literature as pathogenic or benign. PALB2 Cys756Arg was not observed in approximately 6,500 individuals of European and African American ancestry in the NHLBI Exome Sequencing Project, suggesting it is not a common benign variant in these populations. Since Cysteine and Arginine differ in polarity, charge, size or other properties, this is considered a non-conservative amino acid substitution. PALB2 Cys756Arg occurs at a position that is not conserved and is not located in a known functional domain (UniProt). In silico analyses predict that this variant is unlikely to alter protein structure or function. Based on currently available evidence, it is unclear whether PALB2 Cys756Arg is a pathogenic or benign variant. We consider it to be a variant of uncertain significance.

NM_024675.4(PALB2):c.2266T>C (p.Cys756Arg)

Gene: PALB2 (partner and localizer of BRCA2; minus strand). Cytogenetic location: 16p12.2.
Variant type: single nucleotide variant.
Coding change: c.2266T>C on transcript NM_024675.4 (MANE Select); coding-DNA position 2266, T replaced by C.
Protein change: p.Cys756Arg; replaces cysteine 756 with arginine.
Molecular consequence: missense variant.
Genome position (GRCh38, 1-based): chr16:23,629,888, A>G on the plus strand (T>C on the coding strand, the complement: PALB2 is on the minus strand). VCF-style: chr16-23629888-A-G. GRCh37 (hg19) VCF-style: chr16-23641209-A-G.
Other names: short protein forms C756R.
Identifiers: ClinVar variation 421313 (VCV000421313.12), dbSNP rs1064795052, ClinGen allele CA16620138.